The following is an entry in ClinVar:

NM_002473.6(MYH9):c.1764C>T (p.Asn588=)

Gene: MYH9 (myosin heavy chain 9; minus strand). Cytogenetic location: 22q12.3.
Variant type: single nucleotide variant.
Coding change: c.1764C>T on transcript NM_002473.6 (MANE Select); coding-DNA position 1764, C replaced by T.
Protein change: p.Asn588=; no amino-acid change (asparagine 588 retained).
Molecular consequence: synonymous variant.
Genome position (GRCh38, 1-based): chr22:36,309,361, G>A on the plus strand (C>T on the coding strand, the complement: MYH9 is on the minus strand). VCF-style: chr22-36309361-G-A. GRCh37 (hg19) VCF-style: chr22-36705406-G-A.
Identifiers: ClinVar variation 3028995 (VCV003028995.2), dbSNP rs2517981086, ClinGen allele CA514364376.
Genomic context (GRCh38, chr22:36,309,361, plus strand): 5'-GACAAACTTGTCAGAGGACTGGTGGAGCAGTGTGGCGATGTTGTCATTCAGGGGATCCAT[G>A]TTCTTCATCAGCCACTCGTCAGCTTTGTAATCCACCTGGCGGGGTCAGAGAGGCAGGAGT-3'
Protein context (NP_002464.1, residues 578-598): DYKADEWLMK[Asn588=]MDPLNDNIAT

ClinVar aggregate classification (germline): Likely benign (0 of 4 stars; one submission).

Conditions:
MYH9-related disorder. Identifiers: MedGen C1854520.

Submission:

PreventionGenetics, part of Exact Sciences
Classification: Likely benign for MYH9-related condition. Last evaluated: 2023-12-29. Review status: no assertion criteria provided. Collection method: clinical testing. Allele origin: germline.
Comment: This variant is classified as likely benign based on ACMG/AMP sequence variant interpretation guidelines (Richards et al. 2015 PMID: 25741868, with internal and published modifications).